The following is an entry in ClinVar:

NM_007215.4(POLG2):c.701A>G (p.Lys234Arg)

Genes: MILR1 (mast cell immunoglobulin like receptor 1; plus strand), POLG2 (DNA polymerase gamma 2, accessory subunit; minus strand). Cytogenetic location: 17q23.3.
Variant type: single nucleotide variant.
Coding change: c.701A>G on transcript NM_007215.4 (MANE Select); coding-DNA position 701, A replaced by G.
Protein change: p.Lys234Arg; replaces lysine 234 with arginine.
Molecular consequence: missense variant.
Genome position (GRCh38, 1-based): chr17:64,492,761, T>C on the plus strand (A>G on the coding strand, the complement: POLG2 is on the minus strand). VCF-style: chr17-64492761-T-C. GRCh37 (hg19) VCF-style: chr17-62488878-T-C.
Other names: p.Lys234Arg; short protein forms K234R.
Identifiers: ClinVar variation 1441949 (VCV001441949.11), dbSNP rs2038083745, ClinGen allele CA400639240.

ClinVar aggregate classification (germline): Uncertain significance. Review status: criteria provided, multiple submitters, no conflicts (2 of 4 stars). 3 submissions from 3 submitters: Uncertain significance (3). Last evaluated 2025-08-13.

Allele frequency attached by ClinVar (database versions not stated): gnomAD exomes below 0.00001.
gnomAD v4.1: 7 of 1,611,188 alleles (0.00043%); highest among the groups gnomAD compares: East Asian, 0.0045%; no homozygotes.

Submissions (3):

Mayo Clinic Laboratories, Mayo Clinic
Classification: Uncertain significance. Last evaluated: 2025-08-13. Review status: criteria provided, single submitter. Criteria: ACMG Guidelines, 2015. Collection method: clinical testing. Allele origin: germline. Observed: 1 variant allele.
Comment: BP4_moderate

Blueprint Genetics
Classification: Uncertain significance. Last evaluated: 2024-06-11. Review status: criteria provided, single submitter. Criteria: ACMG Guidelines, 2015. Collection method: clinical testing. Allele origin: germline.

Labcorp Genetics (formerly Invitae), Labcorp
Classification: Uncertain significance. Last evaluated: 2023-10-28. Review status: criteria provided, single submitter. Criteria: Invitae Variant Classification Sherloc (09022015). Collection method: clinical testing. Allele origin: germline.
Comment: This sequence change replaces lysine, which is basic and polar, with arginine, which is basic and polar, at codon 234 of the POLG2 protein (p.Lys234Arg). This variant is not present in population databases (gnomAD no frequency). This variant has not been reported in the literature in individuals affected with POLG2-related conditions. ClinVar contains an entry for this variant (Variation ID: 1441949). Algorithms developed to predict the effect of missense changes on protein structure and function output the following: SIFT: "Not Available"; PolyPhen-2: "Benign"; Align-GVGD: "Not Available". The arginine amino acid residue is found in multiple mammalian species, which suggests that this missense change does not adversely affect protein function. In summary, the available evidence is currently insufficient to determine the role of this variant in disease. Therefore, it has been classified as a Variant of Uncertain Significance.